The following is an entry in ClinVar:

ClinVar aggregate classification (germline): Benign. Review status: criteria provided, single submitter (1 of 4 stars). 2 submissions from 2 submitters: Benign (1). 1 of the submissions does not count toward it. Last evaluated 2026-02-01.

Conditions:
CSF2RB-related disorder. Also called: CSF2RB-related condition.

Allele frequency attached by ClinVar (database versions not stated): gnomAD 0.00006 and 0.00033; TOPMed 0.00006; gnomAD exomes 0.00014 and 0.00054; ExAC 0.00021; 1000 Genomes Project 30x 0.00219; 1000 Genomes Project 0.00280.
gnomAD v4.1: 817 of 1,613,196 alleles (0.051%); highest among the groups gnomAD compares: East Asian, 1.8%; 12 homozygotes.

Submissions (2):

Labcorp Genetics (formerly Invitae), Labcorp
Classification: Benign. Last evaluated: 2026-02-01. Review status: criteria provided, single submitter. Criteria: Invitae Variant Classification Sherloc (09022015). Collection method: clinical testing. Allele origin: germline.

PreventionGenetics, part of Exact Sciences
Classification: Likely benign for CSF2RB-related condition. Last evaluated: 2024-06-19. Review status: no assertion criteria provided. Collection method: clinical testing. Allele origin: germline. Not counted in ClinVar's aggregate classification.
Comment: This variant is classified as likely benign based on ACMG/AMP sequence variant interpretation guidelines (Richards et al. 2015 PMID: 25741868, with internal and published modifications).

NM_000395.3(CSF2RB):c.1569-5C>T

Gene: CSF2RB (colony stimulating factor 2 receptor subunit beta; plus strand). Cytogenetic location: 22q12.3.
Variant type: single nucleotide variant.
Coding change: c.1569-5C>T on transcript NM_000395.3 (MANE Select); 5 bases into the intron before coding-DNA position 1569, C replaced by T.
Molecular consequence: intron variant.
Genome position (GRCh38, 1-based): chr22:36,937,372, C>T. VCF-style: chr22-36937372-C-T. GRCh37 (hg19) VCF-style: chr22-37333414-C-T.
Other names: c.1569-5C>T (NM_000395.2).
Identifiers: ClinVar variation 1600736 (VCV001600736.10), dbSNP rs117180950, ClinGen allele CA10213936.